The following is an entry in ClinVar:

NM_001164508.2(NEB):c.18165C>A (p.Tyr6055Ter)

Gene: NEB (nebulin; minus strand). Cytogenetic location: 2q23.3.
Variant type: single nucleotide variant.
Coding change: c.18165C>A on transcript NM_001164508.2 (MANE Select); coding-DNA position 18165, C replaced by A.
Protein change: p.Tyr6055Ter; replaces tyrosine 6055 with a stop codon.
Molecular consequence: nonsense.
Genome position (GRCh38, 1-based): chr2:151,565,812, G>T on the plus strand (C>A on the coding strand, the complement: NEB is on the minus strand). VCF-style: chr2-151565812-G-T. GRCh37 (hg19) VCF-style: chr2-152422326-G-T.
Other names: c.18165C>A, p.Tyr6055Ter (NM_001164507.2, NM_001271208.2); c.13062C>A, p.Tyr4354Ter (NM_004543.5); short protein forms Y4354*, Y6055*.
Identifiers: ClinVar variation 2099723 (VCV002099723.4), dbSNP rs746376570, ClinGen allele CA348802617.

ClinVar aggregate classification (germline): Pathogenic (1 of 4 stars; one submission).

Conditions:
Nemaline myopathy 2 (NEM2). Also called: Nemaline myopathy 2, autosomal recessive. Identifiers: MedGen C1850569, MONDO:0009725, OMIM 256030.

Submission:

Labcorp Genetics (formerly Invitae), Labcorp
Classification: Pathogenic for Nemaline myopathy 2. Last evaluated: 2022-02-19. Review status: criteria provided, single submitter. Criteria: Invitae Variant Classification Sherloc (09022015). Collection method: clinical testing. Allele origin: germline.
Comment: For these reasons, this variant has been classified as Pathogenic. This variant has not been reported in the literature in individuals affected with NEB-related conditions. This variant is not present in population databases (gnomAD no frequency). This sequence change creates a premature translational stop signal (p.Tyr6055*) in the NEB gene. It is expected to result in an absent or disrupted protein product. Loss-of-function variants in NEB are known to be pathogenic (PMID: 25205138).

Literature cited by the submitters: PubMed 25205138.